The following is an entry in ClinVar:

NM_032802.4(SPPL2A):c.409A>G (p.Ile137Val)

Gene: SPPL2A (signal peptide peptidase like 2A; minus strand). Cytogenetic location: 15q21.2.
Variant type: single nucleotide variant.
Coding change: c.409A>G on transcript NM_032802.4 (MANE Select); coding-DNA position 409, A replaced by G.
Protein change: p.Ile137Val; replaces isoleucine 137 with valine.
Molecular consequence: missense variant.
Genome position (GRCh38, 1-based): chr15:50,748,154, T>C on the plus strand (A>G on the coding strand, the complement: SPPL2A is on the minus strand). VCF-style: chr15-50748154-T-C. GRCh37 (hg19) VCF-style: chr15-51040351-T-C.
Other names: c.409A>G, p.Ile137Val (NM_001438111.1, NM_001438112.1); short protein forms I137V.
Identifiers: ClinVar variation 4721340 (VCV004721340.1).

ClinVar aggregate classification (germline): Uncertain significance (1 of 4 stars; one submission).

Submission:

Labcorp Genetics (formerly Invitae), Labcorp
Classification: Uncertain significance. Last evaluated: 2025-06-12. Review status: criteria provided, single submitter. Criteria: Invitae Variant Classification Sherloc (09022015). Collection method: clinical testing. Allele origin: germline.
Comment: This sequence change replaces isoleucine, which is neutral and non-polar, with valine, which is neutral and non-polar, at codon 137 of the SPPL2A protein (p.Ile137Val). This variant is not present in population databases (gnomAD no frequency). This variant has not been reported in the literature in individuals affected with SPPL2A-related conditions. An algorithm developed to predict the effect of missense changes on protein structure and function outputs the following: PolyPhen-2: "Benign". The valine amino acid residue is found in multiple mammalian species, which suggests that this missense change does not adversely affect protein function. In summary, the available evidence is currently insufficient to determine the role of this variant in disease. Therefore, it has been classified as a Variant of Uncertain Significance.